The following is an entry in ClinVar:

NM_014915.3(ANKRD26):c.3230A>T (p.Glu1077Val)

Gene: ANKRD26 (ankyrin repeat domain 26; minus strand). Cytogenetic location: 10p12.1.
Variant type: single nucleotide variant.
Coding change: c.3230A>T on transcript NM_014915.3 (MANE Select); coding-DNA position 3230, A replaced by T.
Protein change: p.Glu1077Val; replaces glutamic acid 1077 with valine.
Molecular consequence: missense variant.
Genome position (GRCh38, 1-based): chr10:27,035,220, T>A on the plus strand (A>T on the coding strand, the complement: ANKRD26 is on the minus strand). VCF-style: chr10-27035220-T-A. GRCh37 (hg19) VCF-style: chr10-27324149-T-A.
Other names: c.3227A>T, p.Glu1076Val (NM_001256053.2); short protein forms E1076V, E1077V.
Identifiers: ClinVar variation 4859203 (VCV004859203.1).

ClinVar aggregate classification (germline): Uncertain significance (1 of 4 stars; one submission).

Conditions:
Inborn genetic diseases. Identifiers: MedGen C0950123, MeSH D030342.

gnomAD v4.1: 2 of 1,614,056 alleles (0.00012%); highest among the groups gnomAD compares: East Asian, 0.0045%; no homozygotes.

Submission:

Ambry Genetics
Classification: Uncertain significance for Inborn genetic diseases. Last evaluated: 2026-04-04. Review status: criteria provided, single submitter. Criteria: Ambry Variant Classification Scheme 2023. Collection method: clinical testing. Allele origin: germline.
Comment: The p.E1077V variant (also known as c.3230A>T), located in coding exon 24 of the ANKRD26 gene, results from an A to T substitution at nucleotide position 3230. The glutamic acid at codon 1077 is replaced by valine, an amino acid with dissimilar properties. This amino acid position is conserved. In addition, this alteration is predicted to be tolerated by in silico analysis. Based on the available evidence, the clinical significance of this variant remains unclear.